The following is an entry in ClinVar:

NM_001048174.2(MUTYH):c.1527C>G (p.Ile509Met)

Gene: MUTYH (mutY DNA glycosylase; minus strand). Cytogenetic location: 1p34.1.
Variant type: single nucleotide variant.
Coding change: c.1527C>G on transcript NM_001048174.2 (MANE Select); coding-DNA position 1527, C replaced by G.
Protein change: p.Ile509Met; replaces isoleucine 509 with methionine.
Molecular consequence: missense variant. On other transcripts: non-coding transcript variant (7).
Genome position (GRCh38, 1-based): chr1:45,329,345, G>C on the plus strand (C>G on the coding strand, the complement: MUTYH is on the minus strand). VCF-style: chr1-45329345-G-C. GRCh37 (hg19) VCF-style: chr1-45795017-G-C.
Other names: c.1569C>G, p.Ile523Met (NM_001407083.1, NM_001407085.1); c.1530C>G, p.Ile510Met (NM_001407086.1, NM_001048172.2, NM_001407071.1 and 1 more transcripts); c.1548C>G, p.Ile516Met (NM_001407087.1); c.1527C>G, p.Ile509Met (NM_001407088.1, NM_001407089.1, NM_001048171.2 and 6 more transcripts); c.1251C>G, p.Ile417Met (NM_001407091.1, NM_001293192.2, NM_001293196.2); c.1602C>G, p.Ile534Met (NM_012222.3); c.1611C>G, p.Ile537Met (NM_001128425.2); c.1572C>G, p.Ile524Met (NM_001293190.2); and 5 more; short protein forms I537M, I417M, I516M, I524M, I394M, I481M, I534M, I495M.
Identifiers: ClinVar variation 4113439 (VCV004113439.1).

ClinVar aggregate classification (germline): Uncertain significance (1 of 4 stars; one submission).

Conditions:
Hereditary cancer-predisposing syndrome. Also called: Hereditary neoplastic syndrome; Neoplastic Syndromes, Hereditary; Tumor predisposition; Hereditary Cancer Syndrome. Identifiers: Orphanet 140162, MedGen C0027672, MeSH D009386, MONDO:0015356.

Submission:

Ambry Genetics
Classification: Uncertain significance for Hereditary cancer-predisposing syndrome. Last evaluated: 2025-08-27. Review status: criteria provided, single submitter. Criteria: Ambry Variant Classification Scheme 2023. Collection method: clinical testing. Allele origin: germline.
Comment: The p.I537M variant (also known as c.1611C>G), located in coding exon 16 of the MUTYH gene, results from a C to G substitution at nucleotide position 1611. The isoleucine at codon 537 is replaced by methionine, an amino acid with highly similar properties. This amino acid position is conserved. In addition, this alteration is predicted to be tolerated by in silico analysis. Based on the available evidence, the clinical significance of this variant remains unclear.